The following is an entry in ClinVar:

NM_147127.5(EVC2):c.2893C>T (p.Gln965Ter)

Gene: EVC2 (EvC ciliary complex subunit 2; minus strand). Cytogenetic location: 4p16.2.
Variant type: single nucleotide variant.
Coding change: c.2893C>T on transcript NM_147127.5 (MANE Select); coding-DNA position 2893, C replaced by T.
Protein change: p.Gln965Ter; replaces glutamine 965 with a stop codon.
Molecular consequence: nonsense.
Genome position (GRCh38, 1-based): chr4:5,584,787, G>A on the plus strand (C>T on the coding strand, the complement: EVC2 is on the minus strand). VCF-style: chr4-5584787-G-A. GRCh37 (hg19) VCF-style: chr4-5586514-G-A.
Other names: c.2653C>T, p.Gln885Ter (NM_001166136.2); short protein forms Q885*, Q965*.
Identifiers: ClinVar variation 2106204 (VCV002106204.5), dbSNP rs779407729, ClinGen allele CA2834531.

ClinVar aggregate classification (germline): Pathogenic/Likely pathogenic. Review status: criteria provided, multiple submitters, no conflicts (2 of 4 stars). 2 submissions from 2 submitters: Pathogenic (1); Likely pathogenic (1). Last evaluated 2024-03-02.

Conditions:
Curry-Hall syndrome (WAD). Also called: WEYERS ACRODENTAL DYSOSTOSIS. Identifiers: Orphanet 952, MedGen C0457013, MONDO:0008673, OMIM 193530.
Ellis-van Creveld syndrome (EVC). Also called: MESOECTODERMAL DYSPLASIA; EVC-Related Ellis-van Creveld Syndrome; EVC2-Related Ellis-van Creveld Syndrome; Chondroectodermal dysplasia. Identifiers: Orphanet 289, MedGen C0013903, MONDO:0009162, OMIM 225500.

Allele frequency attached by ClinVar (database versions not stated): gnomAD exomes below 0.00001; TOPMed below 0.00001; ExAC 0.00001; gnomAD 0.00001.
gnomAD v4.1: 4 of 1,614,058 alleles (0.00025%); highest among the groups gnomAD compares: Non-Finnish European, 0.00034%; no homozygotes.

Submissions (2):

Labcorp Genetics (formerly Invitae), Labcorp
Classification: Pathogenic for Curry-Hall syndrome; Ellis-van Creveld syndrome. Last evaluated: 2024-03-02. Review status: criteria provided, single submitter. Criteria: Invitae Variant Classification Sherloc (09022015). Collection method: clinical testing. Allele origin: germline.
Comment: This sequence change creates a premature translational stop signal (p.Gln965*) in the EVC2 gene. It is expected to result in an absent or disrupted protein product. Loss-of-function variants in EVC2 are known to be pathogenic (PMID: 17024374, 19810119, 19876929). This variant is present in population databases (rs779407729, gnomAD 0.0009%). This variant has not been reported in the literature in individuals affected with EVC2-related conditions. ClinVar contains an entry for this variant (Variation ID: 2106204). Algorithms developed to predict the effect of sequence changes on RNA splicing suggest that this variant may disrupt the consensus splice site. For these reasons, this variant has been classified as Pathogenic.

Fulgent Genetics
Classification: Likely pathogenic for Curry-Hall syndrome; Ellis-van Creveld syndrome. Last evaluated: 2024-02-21. Review status: criteria provided, single submitter. Criteria: ACMG Guidelines, 2015. Collection method: clinical testing. Allele origin: germline.

Literature cited by the submitters: PubMed 17024374 (cited by Labcorp Genetics (formerly Invitae), Labcorp); PubMed 19810119 (cited by Labcorp Genetics (formerly Invitae), Labcorp); PubMed 19876929 (cited by Labcorp Genetics (formerly Invitae), Labcorp).